The following is an entry in ClinVar:

ClinVar aggregate classification (germline): Pathogenic (1 of 4 stars; one submission).

Conditions:
Long chain 3-hydroxyacyl-CoA dehydrogenase deficiency. Also called: Deficiency of long-chain 3-hydroxyacyl-coenzyme A dehydrogenase; LCHAD Deficiency. Identifiers: Orphanet 5, MedGen C3711645, MONDO:0012173, OMIM 609016.

Submission:

Myriad Genetics, Inc.
Classification: Pathogenic for Long chain 3-hydroxyacyl-CoA dehydrogenase deficiency. Last evaluated: 2023-09-27. Review status: criteria provided, single submitter. Criteria: Myriad Autosomal Dominant, Autosomal Recessive and X-Linked Classification Criteria (2023). Collection method: clinical testing. Allele origin: unknown.
Comment: NM_000182.4(HADHA):c.1554_1555ins10(K519Cfs*25) is expected to be pathogenic in the context of HADHA-related disorders. This variant is predicted to lead to an abnormal or absent protein product due to the creation of a premature termination codon in HADHA, a gene where loss-of-function variants are known to be pathogenic. Please note: this variant was assessed in the context of healthy population screening.

NM_000182.5(HADHA):c.1554_1555insTGCAATTACC (p.Lys519fs)

Genes: GAREM2 (GRB2 associated regulator of MAPK1 subtype 2; plus strand), HADHA (hydroxyacyl-CoA dehydrogenase trifunctional multienzyme complex subunit alpha; minus strand). Cytogenetic location: 2p23.3.
Variant type: Insertion.
Coding change: c.1554_1555insTGCAATTACC on transcript NM_000182.5 (MANE Select); coding-DNA positions 1554 to 1555, TGCAATTACC inserted.
Protein change: p.Lys519fs; shifts the reading frame from lysine 519.
Molecular consequence: frameshift variant.
Genome position: GRCh38 VCF-style: chr2-26195157-T-TGGTAATTGCA. GRCh37 (hg19) VCF-style: chr2-26418026-T-TGGTAATTGCA.
Other names: short protein forms K519fs.
Identifiers: ClinVar variation 5012267 (VCV005012267.1).